The following is an entry in ClinVar:

NM_001267550.2(TTN):c.556A>T (p.Thr186Ser)

Gene: TTN (titin; minus strand). Cytogenetic location: 2q31.2.
Variant type: single nucleotide variant.
Coding change: c.556A>T on transcript NM_001267550.2 (MANE Select); coding-DNA position 556, A replaced by T.
Protein change: p.Thr186Ser; replaces threonine 186 with serine.
Molecular consequence: missense variant.
Genome position (GRCh38, 1-based): chr2:178,800,422, T>A on the plus strand (A>T on the coding strand, the complement: TTN is on the minus strand). VCF-style: chr2-178800422-T-A. GRCh37 (hg19) VCF-style: chr2-179665149-T-A.
Other names: c.556A>T, p.Thr186Ser (NM_001256850.1, NM_003319.4, NM_133378.4 and 3 more transcripts); short protein forms T186S.
Identifiers: ClinVar variation 1748346 (VCV001748346.5), dbSNP rs1486250871, ClinGen allele CA349526783.

ClinVar aggregate classification (germline): Uncertain significance. Review status: criteria provided, multiple submitters, no conflicts (2 of 4 stars). 2 submissions from 2 submitters: Uncertain significance (2). Last evaluated 2020-06-23.

Conditions:
Cardiovascular phenotype. Identifiers: MedGen CN230736.

Allele frequency attached by ClinVar (database versions not stated): gnomAD exomes below 0.00001.
gnomAD v4.1: 1 of 1,614,188 alleles (0.000062%); highest among the groups gnomAD compares: Non-Finnish European, 0.000085%; no homozygotes.

Submissions (2):

Ambry Genetics
Classification: Uncertain significance for Cardiovascular phenotype. Last evaluated: 2020-06-23. Review status: criteria provided, single submitter. Criteria: Ambry Variant Classification Scheme 2023. Collection method: clinical testing. Allele origin: germline.
Comment: The p.T186S variant (also known as c.556A>T), located in coding exon 3 of the TTN gene, results from an A to T substitution at nucleotide position 556. The threonine at codon 186 is replaced by serine, an amino acid with similar properties. This amino acid position is highly conserved in available vertebrate species. In addition, this alteration is predicted to be tolerated by in silico analysis. Since supporting evidence is limited at this time, the clinical significance of this alteration remains unclear.

Revvity Omics, Revvity
Classification: Uncertain significance. Last evaluated: 2019-06-25. Review status: criteria provided, single submitter. Criteria: ACMG Guidelines, 2015. Collection method: clinical testing. Allele origin: germline.